The following is an entry in ClinVar:

ClinVar aggregate classification (germline): Uncertain significance (1 of 4 stars; one submission).

Conditions:
BAP1-related tumor predisposition syndrome (TPDS1). Also called: COMMON Syndrome; Tumor susceptibility linked to germline BAP1 mutations; TUMOR PREDISPOSITION SYNDROME 1; BAP1 tumor predisposition syndrome. Identifiers: Orphanet 289539, MedGen C3280492, MONDO:0013692, OMIM 614327.

Submission:

Labcorp Genetics (formerly Invitae), Labcorp
Classification: Uncertain significance for BAP1-related tumor predisposition syndrome. Last evaluated: 2025-05-15. Review status: criteria provided, single submitter. Criteria: Invitae Variant Classification Sherloc (09022015). Collection method: clinical testing. Allele origin: germline.
Comment: This sequence change replaces threonine, which is neutral and polar, with alanine, which is neutral and non-polar, at codon 254 of the BAP1 protein (p.Thr254Ala). This variant is not present in population databases (gnomAD no frequency). This variant has not been reported in the literature in individuals affected with BAP1-related conditions. Invitae Evidence Modeling of protein sequence and biophysical properties (such as structural, functional, and spatial information, amino acid conservation, physicochemical variation, residue mobility, and thermodynamic stability) indicates that this missense variant is not expected to disrupt BAP1 protein function with a negative predictive value of 80%. In summary, the available evidence is currently insufficient to determine the role of this variant in disease. Therefore, it has been classified as a Variant of Uncertain Significance.

NM_004656.4(BAP1):c.760A>G (p.Thr254Ala)

Gene: BAP1 (BRCA1 associated deubiquitinase 1; minus strand). Cytogenetic location: 3p21.1.
Variant type: single nucleotide variant.
Coding change: c.760A>G on transcript NM_004656.4 (MANE Select); coding-DNA position 760, A replaced by G.
Protein change: p.Thr254Ala; replaces threonine 254 with alanine.
Molecular consequence: missense variant.
Genome position (GRCh38, 1-based): chr3:52,406,276, T>C on the plus strand (A>G on the coding strand, the complement: BAP1 is on the minus strand). VCF-style: chr3-52406276-T-C. GRCh37 (hg19) VCF-style: chr3-52440292-T-C.
Other names: c.706A>G, p.Thr236Ala (NM_001410772.1); short protein forms T254A, T236A.
Identifiers: ClinVar variation 4749120 (VCV004749120.1).